The following is an entry in ClinVar:

ClinVar aggregate classification (germline): Uncertain significance. Review status: criteria provided, multiple submitters, no conflicts (2 of 4 stars). 2 submissions from 2 submitters: Uncertain significance (2). Last evaluated 2024-04-04.

Conditions:
Immunodeficiency 104. Also called: SCID, AUTOSOMAL RECESSIVE, T CELL-NEGATIVE, B CELL-POSITIVE, NK CELL-POSITIVE; IMMUNODEFICIENCY 104, SEVERE COMBINED; Severe combined immunodeficiency, autosomal recessive, T cell-negative, B cell-positive, NK cell-positive; Severe Combined Immune Deficiency, Autosomal Recessive, TCell -Negative, B Cell-Positive, NK Cell-Positive, IL7R-Related. Identifiers: MedGen C5676890, MONDO:0012163, OMIM 608971.

Allele frequency attached by ClinVar (database versions not stated): ExAC 0.00001; gnomAD 0.00001; gnomAD exomes 0.00002; TOPMed 0.00002; ESP Exome Variant Server 0.00008.

Submissions (2):

Women's Health and Genetics/Laboratory Corporation of America, LabCorp
Classification: Uncertain significance. Last evaluated: 2024-04-04. Review status: criteria provided, single submitter. Criteria: LabCorp Variant Classification Summary - May 2015. Collection method: clinical testing. Allele origin: germline.
Comment: Variant summary: IL7R c.653G>A (p.Ser218Asn) results in a conservative amino acid change located in the Fibronectin type III domain (IPR003961) of the encoded protein sequence. Four of five in-silico tools predict a damaging effect of the variant on protein function. The variant allele was found at a frequency of 1.6e-05 in 250926 control chromosomes (gnomAD). The available data on variant occurrences in the general population are insufficient to allow any conclusion about variant significance. c.653G>A has been reported in the literature along with another missense variant (phase not specified) in at-least one individual affected with T-minus, B-plus, NK-plus Severe Combined Immunodeficiency (example, Giliani_2005, cited in Zago_2014). These data do not allow any conclusion about variant significance. To our knowledge, no experimental evidence demonstrating an impact on protein function has been reported. The following publications have been ascertained in the context of this evaluation (PMID: 15661025, 24759676). ClinVar contains an entry for this variant (Variation ID: 1404792). Based on the evidence outlined above, the variant was classified as uncertain significance.

Labcorp Genetics (formerly Invitae), Labcorp
Classification: Uncertain significance for Immunodeficiency 104. Last evaluated: 2022-08-23. Review status: criteria provided, single submitter. Criteria: Invitae Variant Classification Sherloc (09022015). Collection method: clinical testing. Allele origin: germline.
Comment: This sequence change replaces serine, which is neutral and polar, with asparagine, which is neutral and polar, at codon 218 of the IL7R protein (p.Ser218Asn). This variant is present in population databases (rs374232919, gnomAD 0.004%). This missense change has been observed in individual(s) with severe combined immunodeficiency (PMID: 15661025). ClinVar contains an entry for this variant (Variation ID: 1404792). Advanced modeling of protein sequence and biophysical properties (such as structural, functional, and spatial information, amino acid conservation, physicochemical variation, residue mobility, and thermodynamic stability) performed at Invitae indicates that this missense variant is expected to disrupt IL7R protein function. In summary, the available evidence is currently insufficient to determine the role of this variant in disease. Therefore, it has been classified as a Variant of Uncertain Significance.

Literature cited by the submitters: PubMed 15661025 (cited by Women's Health and Genetics/Laboratory Corporation of America, LabCorp and Labcorp Genetics (formerly Invitae), Labcorp); PubMed 24759676 (cited by Women's Health and Genetics/Laboratory Corporation of America, LabCorp).

NM_002185.5(IL7R):c.653G>A (p.Ser218Asn)

Gene: IL7R (interleukin 7 receptor; plus strand). Cytogenetic location: 5p13.2.
Variant type: single nucleotide variant.
Coding change: c.653G>A on transcript NM_002185.5 (MANE Select); coding-DNA position 653, G replaced by A.
Protein change: p.Ser218Asn; replaces serine 218 with asparagine.
Molecular consequence: missense variant.
Genome position (GRCh38, 1-based): chr5:35,873,595, G>A. VCF-style: chr5-35873595-G-A. GRCh37 (hg19) VCF-style: chr5-35873697-G-A.
Other names: short protein forms S218N.
Identifiers: ClinVar variation 1404792 (VCV001404792.5), dbSNP rs374232919, ClinGen allele CA3232043.